The following is an entry in ClinVar:

NM_014846.4(WASHC5):c.2084T>C (p.Val695Ala)

Gene: WASHC5 (WASH complex subunit 5; minus strand). Cytogenetic location: 8q24.13.
Variant type: single nucleotide variant.
Coding change: c.2084T>C on transcript NM_014846.4 (MANE Select); coding-DNA position 2084, T replaced by C.
Protein change: p.Val695Ala; replaces valine 695 with alanine.
Molecular consequence: missense variant.
Genome position (GRCh38, 1-based): chr8:125,055,604, A>G on the plus strand (T>C on the coding strand, the complement: WASHC5 is on the minus strand). VCF-style: chr8-125055604-A-G. GRCh37 (hg19) VCF-style: chr8-126067846-A-G.
Other names: c.1640T>C, p.Val547Ala (NM_001330609.2); short protein forms V547A, V695A.
Identifiers: ClinVar variation 4292435 (VCV004292435.1).

ClinVar aggregate classification (germline): Uncertain significance (1 of 4 stars; one submission).

Conditions:
Hereditary spastic paraplegia 8 (SPG8). Also called: SPASTIC PARAPLEGIA 8, AUTOSOMAL DOMINANT. Identifiers: Orphanet 100989, MedGen C1863704, MONDO:0011339, OMIM 603563.

Submission:

3billion
Classification: Uncertain significance for Hereditary spastic paraplegia 8. Last evaluated: 2024-06-28. Review status: criteria provided, single submitter. Criteria: ACMG Guidelines, 2015. Collection method: clinical testing. Allele origin: germline. Affected: yes.
Comment: The variant is not observed in the gnomAD v4.0.0 dataset. Predicted Consequence/Location: Missense variant In silico tool predictions suggest damaging effect of the variant on gene or gene product [REVEL: 0.84 (>=0.6, sensitivity 0.68 and specificity 0.92)]. Therefore, this variant is classified as VUS according to the recommendation of ACMG/AMP guideline.